The following is an entry in ClinVar:

ClinVar aggregate classification (germline): Likely pathogenic. Review status: criteria provided, multiple submitters, no conflicts (2 of 4 stars). 3 submissions from 3 submitters: Likely pathogenic (2). 1 of the submissions does not count toward it. Last evaluated 2025-11-11.

Conditions:
Intellectual developmental disorder, X-linked, syndromic, Turner type. Also called: Intellectual disability, X-linked syndromic, Turner type; X-linked intellectual disability, Turner type. Identifiers: Orphanet 3056, Orphanet 85328, MedGen C2678046, MONDO:0010407, OMIM 309590.

Allele frequency attached by ClinVar (database versions not stated): gnomAD exomes below 0.00001.
gnomAD v4.1: 1 of 1,209,151 alleles (0.000083%); highest among the groups gnomAD compares: East Asian, 0.003%; no homozygotes.

Submissions (3):

MVZ Medizinische Genetik Mainz
Classification: Likely pathogenic for Intellectual developmental disorder, X-linked, syndromic, Turner type. Last evaluated: 2025-11-11. Review status: criteria provided, single submitter. Criteria: UK Practice Guidelines For Variant Classification V4 01 2020. Collection method: clinical testing. Allele origin: germline. Inheritance: X-linked dominant inheritance. Affected: yes. Observed: 1 variant allele.
Comment: ACMG Criteria: PM1,PS2_SUP,PS4_SUP,PM2_SUP,PP2

Department of Endocrinology and Genetics, Fuzhou Children’s Hospital of Fujian Medical University
Classification: Likely pathogenic for Intellectual developmental disorder, X-linked, syndromic, Turner type. Last evaluated: 2023-07-11. Review status: criteria provided, single submitter. Criteria: ACMG Guidelines, 2015. Collection method: clinical testing. Allele origin: de novo. Affected: yes.

Molecular Genetics Laboratory, BC Children's and BC Women's Hospitals
Classification: Likely pathogenic for Intellectual developmental disorder, X-linked, syndromic, Turner type. Last evaluated: 2025-06-20. Review status: no assertion criteria provided. Criteria: ACMG Guidelines, 2015. Collection method: clinical testing. Allele origin: de novo. Affected: yes. Not counted in ClinVar's aggregate classification.

Literature cited by the submitters: PubMed 29180823 (cited by Department of Endocrinology and Genetics, Fuzhou Children’s Hospital of Fujian Medical University).

NM_031407.7(HUWE1):c.12227C>G (p.Pro4076Arg)

Gene: HUWE1 (HECT, UBA and WWE domain containing E3 ubiquitin protein ligase 1; minus strand). Cytogenetic location: Xp11.22.
Variant type: single nucleotide variant.
Coding change: c.12227C>G on transcript NM_031407.7 (MANE Select); coding-DNA position 12227, C replaced by G.
Protein change: p.Pro4076Arg; replaces proline 4076 with arginine.
Molecular consequence: missense variant.
Genome position (GRCh38, 1-based): chrX:53,536,578, G>C on the plus strand (C>G on the coding strand, the complement: HUWE1 is on the minus strand). VCF-style: chrX-53536578-G-C. GRCh37 (hg19) VCF-style: chrX-53563539-G-C.
Other names: short protein forms P4076R.
Identifiers: ClinVar variation 2572050 (VCV002572050.4), dbSNP rs2522060204, ClinGen allele CA413151184.